The following is an entry in ClinVar:

NM_005909.5(MAP1B):c.3967C>T (p.Pro1323Ser)

Gene: MAP1B (microtubule associated protein 1B; plus strand). Cytogenetic location: 5q13.2.
Variant type: single nucleotide variant.
Coding change: c.3967C>T on transcript NM_005909.5 (MANE Select); coding-DNA position 3967, C replaced by T.
Protein change: p.Pro1323Ser; replaces proline 1323 with serine.
Molecular consequence: missense variant.
Genome position (GRCh38, 1-based): chr5:72,197,322, C>T. VCF-style: chr5-72197322-C-T. GRCh37 (hg19) VCF-style: chr5-71493149-C-T.
Other names: c.3589C>T, p.Pro1197Ser (NM_001324255.2); short protein forms P1197S, P1323S.
Identifiers: ClinVar variation 1699149 (VCV001699149.3), dbSNP rs2112238960, ClinGen allele CA360013559.

ClinVar aggregate classification (germline): Uncertain significance (1 of 4 stars; one submission).

Conditions:
Periventricular nodular heterotopia 9. Identifiers: MedGen C5394503, MONDO:0030061, OMIM 618918.

gnomAD v4.1: 3 of 1,614,194 alleles (0.00019%); highest among the groups gnomAD compares: South Asian, 0.0011%; no homozygotes.

Submission:

Victorian Clinical Genetics Services, Murdoch Childrens Research Institute
Classification: Uncertain significance for Periventricular nodular heterotopia 9. Last evaluated: 2022-02-02. Review status: criteria provided, single submitter. Criteria: ACMG Guidelines, 2015. Collection method: clinical testing. Allele origin: germline. Inheritance: Autosomal dominant inheritance. Affected: yes.
Comment: Based on the classification scheme VCGS_Germline_v1.3.4, this variant is classified as VUS-3B. Following criteria are met: 0102 - Loss of function is a known mechanism of disease in this gene and is associated with periventricular nodular heterotopia 9 (MIM#618918) and sensorineural hearing loss (PMID: 33268592). (I) 0107 - This gene is associated with autosomal dominant disease. (I) 0200 - Variant is predicted to result in a missense amino acid change from proline to serine. (I) 0251 - This variant is heterozygous. (I) 0301 - Variant is absent from gnomAD (both v2 and v3). (SP) 0502 - Missense variant with conflicting in silico predictions and uninformative conservation. (I) 0600 - Variant is located in the annotated putative microtubule assembly helping domain (PMID: 33268592). (I) 0705 - No comparable missense variants have previous evidence for pathogenicity. (I) 0807 - This variant has no previous evidence of pathogenicity. (I) 0905 - No published segregation evidence has been identified for this variant. (I) 1007 - No published functional evidence has been identified for this variant. (I) 1102 - Strong phenotype match for this individual. (SP) 1208 - Inheritance information for this variant is not currently available in this individual. (I) Legend: (SP) - Supporting pathogenic, (I) - Information, (SB) - Supporting benign

Literature cited by the submitters: PubMed 33268592.